The following is an entry in ClinVar:

NM_006265.3(RAD21):c.447dup (p.Gly150fs)

Gene: RAD21 (RAD21 cohesin complex component; minus strand). Cytogenetic location: 8q24.11.
Variant type: Duplication.
Coding change: c.447dup on transcript NM_006265.3 (MANE Select); coding-DNA position 447, one base duplicated (T; older notation c.447dupT).
Protein change: p.Gly150fs; shifts the reading frame from glycine 150.
Molecular consequence: frameshift variant.
Genome position (GRCh38, 1-based): chr8:116,858,386, A duplicated on the plus strand (T on the coding strand, the reverse complement: RAD21 is on the minus strand); the first of 2 consecutive A bases (chr8:116,858,386-116,858,387); duplicating either gives the same sequence. VCF-style (leftmost placement, unchanged base first): chr8-116858385-C-CA. GRCh37 (hg19) VCF-style: chr8-117870624-C-CA.
Other names: c.447dupT (NM_006265.2); short protein forms G150fs.
Identifiers: ClinVar variation 4149685 (VCV004149685.1).

ClinVar aggregate classification (germline): Pathogenic (1 of 4 stars; one submission).

Conditions:
Inborn genetic diseases. Identifiers: MedGen C0950123, MeSH D030342.

Submission:

Ambry Genetics
Classification: Pathogenic for Inborn genetic diseases. Last evaluated: 2025-08-11. Review status: criteria provided, single submitter. Criteria: Ambry Variant Classification Scheme 2023. Collection method: clinical testing. Allele origin: germline.
Comment: The c.447dupT (p.G150Wfs*10) alteration, located in exon 5 (coding exon 4) of the RAD21 gene, consists of a duplication of T at position 447, causing a translational frameshift with a predicted alternate stop codon after 10 amino acids. This alteration is expected to result in loss of function by premature protein truncation or nonsense-mediated mRNA decay. This variant was not reported in population-based cohorts in the Genome Aggregation Database (gnomAD). Based on the available evidence, this alteration is classified as pathogenic.